The following is an entry in ClinVar:

ClinVar aggregate classification (germline): Uncertain significance (1 of 4 stars; one submission).

Submission:

GeneDx
Classification: Uncertain significance. Last evaluated: 2025-04-20. Review status: criteria provided, single submitter. Criteria: GeneDx Variant Classification Process June 2021. Collection method: clinical testing. Allele origin: germline. Affected: yes.
Comment: Not observed at significant frequency in large population cohorts (gnomAD); In-frame deletion of one amino acid in a non-repeat region; In silico analysis indicates that this variant does not alter protein structure/function; Has not been previously published as pathogenic or benign to our knowledge

NM_001273.5(CHD4):c.4716AGA[2] (p.Glu1575del)

Genes: CHD4 (chromodomain helicase DNA binding protein 4; minus strand), CHD4-AS1 (CHD4 antisense RNA 1; plus strand). Cytogenetic location: 12p13.31.
Variant type: Microsatellite.
Coding change: c.4716AGA[2] on transcript NM_001273.5 (MANE Select); two copies in a row of the 3-base unit AGA starting at c.4716; the reference has three copies in a row; one copy, 3 bases deleted.
Protein change: p.Glu1575del; deletes glutamic acid 1575.
Molecular consequence: inframe deletion.
Genome position (GRCh38, 1-based): chr12:6,581,346-6,581,348, TCT deleted on the plus strand (AGA on the coding strand, the reverse complement: CHD4 is on the minus strand); deleting any 3 consecutive bases within chr12:6,581,346-6,581,355 gives the same sequence; the position shown is the placement nearest the transcript's 3' end. VCF-style (leftmost placement, unchanged base first): chr12-6581345-CTCT-C. GRCh37 (hg19) VCF-style: chr12-6690511-CTCT-C.
Other names: c.4695AGA[2], p.Glu1568del (NM_001297553.2); c.4677AGA[2], p.Glu1562del (NM_001363606.2); short protein forms E1562del, E1568del, E1575del.
Identifiers: ClinVar variation 4282218 (VCV004282218.1).